The following is an entry in ClinVar:

ClinVar aggregate classification (germline): Uncertain significance (1 of 4 stars; one submission).

Conditions:
Developmental and epileptic encephalopathy, 23 (DEE23). Also called: Epileptic encephalopathy, early infantile, 23. Identifiers: Orphanet 411986, MedGen C4014492, MONDO:0014371, OMIM 615859.

Allele frequency attached by ClinVar (database versions not stated): gnomAD 0.00001; TOPMed 0.00001.
gnomAD v4.1: 19 of 1,549,196 alleles (0.0012%); highest among the groups gnomAD compares: Non-Finnish European, 0.0016%; no homozygotes.

Submission:

Labcorp Genetics (formerly Invitae), Labcorp
Classification: Uncertain significance for Developmental and epileptic encephalopathy, 23. Last evaluated: 2024-10-23. Review status: criteria provided, single submitter. Criteria: Invitae Variant Classification Sherloc (09022015). Collection method: clinical testing. Allele origin: germline.
Comment: This sequence change replaces threonine, which is neutral and polar, with alanine, which is neutral and non-polar, at codon 952 of the DOCK7 protein (p.Thr952Ala). This variant is not present in population databases (gnomAD no frequency). This variant has not been reported in the literature in individuals affected with DOCK7-related conditions. ClinVar contains an entry for this variant (Variation ID: 1398704). An algorithm developed to predict the effect of missense changes on protein structure and function (PolyPhen-2) suggests that this variant is likely to be tolerated. In summary, the available evidence is currently insufficient to determine the role of this variant in disease. Therefore, it has been classified as a Variant of Uncertain Significance.

NM_001367561.1(DOCK7):c.2854A>G (p.Thr952Ala)

Gene: DOCK7 (dedicator of cytokinesis 7; minus strand). Cytogenetic location: 1p31.3.
Variant type: single nucleotide variant.
Coding change: c.2854A>G on transcript NM_001367561.1 (MANE Select); coding-DNA position 2854, A replaced by G.
Protein change: p.Thr952Ala; replaces threonine 952 with alanine.
Molecular consequence: missense variant. On other transcripts: intron variant (3).
Genome position (GRCh38, 1-based): chr1:62,544,952, T>C on the plus strand (A>G on the coding strand, the complement: DOCK7 is on the minus strand). VCF-style: chr1-62544952-T-C. GRCh37 (hg19) VCF-style: chr1-63010623-T-C.
Other names: c.2854A>G, p.Thr952Ala (NM_001271999.2, NM_001330614.2); c.2767-1207A>G (NM_001272001.2, NM_001272000.2, NM_033407.4); short protein forms T952A.
Identifiers: ClinVar variation 1398704 (VCV001398704.10), dbSNP rs931119441, ClinGen allele CA23744212.